The following is an entry in ClinVar:

NM_015267.4(CUX2):c.1605C>T (p.Pro535=)

Gene: CUX2 (cut like homeobox 2; plus strand). Cytogenetic location: 12q24.12.
Variant type: single nucleotide variant.
Coding change: c.1605C>T on transcript NM_015267.4 (MANE Select); coding-DNA position 1605, C replaced by T.
Protein change: p.Pro535=; no amino-acid change (proline 535 retained).
Molecular consequence: synonymous variant.
Genome position (GRCh38, 1-based): chr12:111,310,387, C>T. VCF-style: chr12-111310387-C-T. GRCh37 (hg19) VCF-style: chr12-111748191-C-T.
Other names: c.1419C>T, p.Pro473= (NM_001370598.1).
Identifiers: ClinVar variation 3389403 (VCV003389403.15).

ClinVar aggregate classification (germline): Likely benign. Review status: criteria provided, multiple submitters, no conflicts (2 of 4 stars). 2 submissions from 2 submitters: Likely benign (2). Last evaluated 2024-09-01.

gnomAD v4.1: 33 of 1,604,578 alleles (0.0021%); highest among the groups gnomAD compares: Middle Eastern, 0.018%; no homozygotes.

Submissions (2):

CeGaT Center for Human Genetics Tuebingen
Classification: Likely benign. Last evaluated: 2024-09-01. Review status: criteria provided, single submitter. Criteria: CeGaT Center For Human Genetics Tuebingen Variant Classification Criteria Version 2. Collection method: clinical testing. Allele origin: germline. Affected: yes. Observed: 1 variant allele.
Comment: CUX2: BP4, BP7

Blueprint Genetics
Classification: Likely benign. Last evaluated: 2023-04-19. Review status: criteria provided, single submitter. Criteria: ACMG Guidelines, 2015. Collection method: clinical testing. Allele origin: germline.